The following is an entry in ClinVar:

NM_000426.4(LAMA2):c.489C>G (p.Tyr163Ter)

Gene: LAMA2 (laminin subunit alpha 2; plus strand). Cytogenetic location: 6q22.33.
Variant type: single nucleotide variant.
Coding change: c.489C>G on transcript NM_000426.4 (MANE Select); coding-DNA position 489, C replaced by G.
Protein change: p.Tyr163Ter; replaces tyrosine 163 with a stop codon.
Molecular consequence: nonsense.
Genome position (GRCh38, 1-based): chr6:129,098,265, C>G. VCF-style: chr6-129098265-C-G. GRCh37 (hg19) VCF-style: chr6-129419410-C-G.
Other names: c.489C>G, p.Tyr163Ter (NM_001079823.2); short protein forms Y163*.
Identifiers: ClinVar variation 5013390 (VCV005013390.1).

ClinVar aggregate classification (germline): Pathogenic (1 of 4 stars; one submission).

Conditions:
LAMA2-related muscular dystrophy (LAMA2-RD). Also called: Laminin alpha 2-related dystrophy. Identifiers: MedGen C5679788, MONDO:0100228.

Submission:

Myriad Genetics, Inc.
Classification: Pathogenic for LAMA2-related muscular dystrophy. Last evaluated: 2024-07-31. Review status: criteria provided, single submitter. Criteria: Myriad Autosomal Dominant, Autosomal Recessive and X-Linked Classification Criteria (2023). Collection method: clinical testing. Allele origin: unknown.
Comment: NM_000426.3(LAMA2):c.489C>G(Y163*) is expected to be pathogenic in the context of muscular dystrophy, LAMA2-related. This variant is predicted to lead to an abnormal or absent protein product due to the creation of a premature termination codon in LAMA2, a gene where loss-of-function variants are known to be pathogenic. Please note: this variant was assessed in the context of healthy population screening.